The following is an entry in ClinVar:

NM_003590.5(CUL3):c.2138C>G (p.Ser713Cys)

Gene: CUL3 (cullin 3; minus strand). Cytogenetic location: 2q36.2.
Variant type: single nucleotide variant.
Coding change: c.2138C>G on transcript NM_003590.5 (MANE Select); coding-DNA position 2138, C replaced by G.
Protein change: p.Ser713Cys; replaces serine 713 with cysteine.
Molecular consequence: missense variant.
Genome position (GRCh38, 1-based): chr2:224,478,237, G>C on the plus strand (C>G on the coding strand, the complement: CUL3 is on the minus strand). VCF-style: chr2-224478237-G-C. GRCh37 (hg19) VCF-style: chr2-225342954-G-C.
Other names: c.1940C>G, p.Ser647Cys (NM_001257197.2); c.2156C>G, p.Ser719Cys (NM_001257198.2); short protein forms S647C, S719C, S713C.
Identifiers: ClinVar variation 2007027 (VCV002007027.4), dbSNP rs2106142737, ClinGen allele CA350821650.

ClinVar aggregate classification (germline): Uncertain significance (1 of 4 stars; one submission).

Submission:

Labcorp Genetics (formerly Invitae), Labcorp
Classification: Uncertain significance. Last evaluated: 2022-06-15. Review status: criteria provided, single submitter. Criteria: Invitae Variant Classification Sherloc (09022015). Collection method: clinical testing. Allele origin: germline.
Comment: This variant has not been reported in the literature in individuals affected with CUL3-related conditions. This variant is not present in population databases (gnomAD no frequency). This sequence change replaces serine, which is neutral and polar, with cysteine, which is neutral and slightly polar, at codon 713 of the CUL3 protein (p.Ser713Cys). In summary, the available evidence is currently insufficient to determine the role of this variant in disease. Therefore, it has been classified as a Variant of Uncertain Significance. Algorithms developed to predict the effect of missense changes on protein structure and function are either unavailable or do not agree on the potential impact of this missense change (SIFT: "Deleterious"; PolyPhen-2: "Possibly Damaging"; Align-GVGD: "Class C15").